The following is an entry in ClinVar:

ClinVar aggregate classification (germline): Likely benign (0 of 4 stars; one submission).

Conditions:
PCDHGC4-related disorder. Also called: PCDHGC4-related condition.

Allele frequency attached by ClinVar (database versions not stated): 1000 Genomes Project 30x 0.00016; 1000 Genomes Project 0.00020; ESP Exome Variant Server 0.00131.
gnomAD v4.1: 3,442 of 1,614,128 alleles (0.21%); highest among the groups gnomAD compares: Non-Finnish European, 0.27%; 3 homozygotes.

Submission:

PreventionGenetics, part of Exact Sciences
Classification: Likely benign for PCDHGC4-related condition. Last evaluated: 2023-01-31. Review status: no assertion criteria provided. Collection method: clinical testing. Allele origin: germline.
Comment: This variant is classified as likely benign based on ACMG/AMP sequence variant interpretation guidelines (Richards et al. 2015 PMID: 25741868, with internal and published modifications).

NM_018928.3(PCDHGC4):c.1868G>A (p.Arg623Gln)

Genes: PCDHG@ (protocadherin gamma cluster; plus strand), PCDHGA1 (protocadherin gamma subfamily A, 1; plus strand), PCDHGA10 (protocadherin gamma subfamily A, 10; plus strand), PCDHGA11 (protocadherin gamma subfamily A, 11; plus strand), PCDHGA12 (protocadherin gamma subfamily A, 12; plus strand) and 17 more. Cytogenetic location: 5q31.3.
Variant type: single nucleotide variant.
Coding change: c.1868G>A on transcript NM_018928.3 (MANE Select); coding-DNA position 1868, G replaced by A.
Protein change: p.Arg623Gln; replaces arginine 623 with glutamine.
Molecular consequence: missense variant. On other transcripts: intron variant (23).
Genome position (GRCh38, 1-based): chr5:141,487,041, G>A. VCF-style: chr5-141487041-G-A. GRCh37 (hg19) VCF-style: chr5-140866608-G-A.
Other names: c.1868G>A, p.Arg623Gln (NM_032406.1); c.2422-7766G>A (NM_018912.3, NM_018923.3, NM_018918.3); c.2425-7766G>A (NM_018915.4, NM_018916.4, NM_018919.3 and 4 more transcripts); c.2410-7766G>A (NM_018922.3); c.2515-7766G>A (NM_018917.4); c.2416-7766G>A (NM_018924.5, NM_018927.4); c.2398-7766G>A (NM_003736.4, NM_018925.3); c.2419-7766G>A (NM_018926.3); and 6 more; short protein forms R623Q.
Identifiers: ClinVar variation 3040571 (VCV003040571.2), dbSNP rs149314216, ClinGen allele CA3477921.